The following is an entry in ClinVar:

NM_000548.5(TSC2):c.2700C>T (p.Cys900=)

Gene: TSC2 (TSC complex subunit 2; plus strand). Cytogenetic location: 16p13.3.
Variant type: single nucleotide variant.
Coding change: c.2700C>T on transcript NM_000548.5 (MANE Select); coding-DNA position 2700, C replaced by T.
Protein change: p.Cys900=; no amino-acid change (cysteine 900 retained).
Molecular consequence: synonymous variant. On other transcripts: non-coding transcript variant (5).
Genome position (GRCh38, 1-based): chr16:2,076,128, C>T. VCF-style: chr16-2076128-C-T. GRCh37 (hg19) VCF-style: chr16-2126129-C-T.
Other names: c.2700C>T, p.Cys900= (NM_001077183.3, NM_001114382.3, NM_001363528.2 and 6 more transcripts); c.2589C>T, p.Cys863= (NM_001318827.2, NM_001406670.1, NM_001406678.1); c.2553C>T, p.Cys851= (NM_001318829.2, NM_001406675.1, NM_001406676.1 and 1 more transcripts); c.2100C>T, p.Cys700= (NM_001318831.2, NM_001406680.1, NM_001406682.1 and 6 more transcripts); c.2733C>T, p.Cys911= (NM_001318832.2); c.2790C>T, p.Cys930= (NM_001406667.1, NM_001406668.1); c.2688C>T, p.Cys896= (NM_001406671.1, NM_001406673.1); c.2643C>T, p.Cys881= (NM_001406677.1); and 3 more.
Identifiers: ClinVar variation 1794927 (VCV001794927.5), dbSNP rs45517257, ClinGen allele CA492953664.

ClinVar aggregate classification (germline): Likely benign. Review status: criteria provided, multiple submitters, no conflicts (2 of 4 stars). 3 submissions from 3 submitters: Likely benign (3). Last evaluated 2025-05-29.

Conditions:
Hereditary cancer-predisposing syndrome. Also called: Neoplastic Syndromes, Hereditary; Tumor predisposition; Hereditary neoplastic syndrome; Hereditary Cancer Syndrome. Identifiers: Orphanet 140162, MedGen C0027672, MeSH D009386, MONDO:0015356.
Tuberous sclerosis syndrome (TSC). Also called: Tuberous sclerosis; Tuberous Sclerosis Complex. Identifiers: Orphanet 805, MedGen C0041341, MONDO:0001734.
Tuberous sclerosis 2 (TSC2). Identifiers: Orphanet 805, MedGen C1860707, MONDO:0013199, OMIM 613254.

Submissions (3):

Labcorp Genetics (formerly Invitae), Labcorp
Classification: Likely benign for Tuberous sclerosis 2. Last evaluated: 2025-05-29. Review status: criteria provided, single submitter. Criteria: Invitae Variant Classification Sherloc (09022015). Collection method: clinical testing. Allele origin: germline.

All of Us Research Program, National Institutes of Health
Classification: Likely benign for Tuberous sclerosis syndrome. Last evaluated: 2023-03-23. Review status: criteria provided, single submitter. Criteria: ACMG Guidelines, 2015. Collection method: clinical testing. Allele origin: germline. Inheritance: Autosomal dominant inheritance. Observed: 1 variant allele, 1 heterozygote.
Comment: This study involves interpretation of variants in research participants for the purpose of population health screening. Participant phenotype was not available at the time of variant classification. Additional details can be found in publication PMID: 35346344, PMCID: PMC8962531

Ambry Genetics
Classification: Likely benign for Hereditary cancer-predisposing syndrome. Last evaluated: 2020-05-28. Review status: criteria provided, single submitter. Criteria: Ambry Variant Classification Scheme 2023. Collection method: clinical testing. Allele origin: germline.